The following is an entry in ClinVar:

NM_000038.6(APC):c.8206A>G (p.Thr2736Ala)

Gene: APC (APC regulator of Wnt signaling pathway; plus strand). Cytogenetic location: 5q22.2.
Variant type: single nucleotide variant.
Coding change: c.8206A>G on transcript NM_000038.6 (MANE Select); coding-DNA position 8206, A replaced by G.
Protein change: p.Thr2736Ala; replaces threonine 2736 with alanine.
Molecular consequence: missense variant.
Genome position (GRCh38, 1-based): chr5:112,843,800, A>G. VCF-style: chr5-112843800-A-G. GRCh37 (hg19) VCF-style: chr5-112179497-A-G.
Other names: c.8206A>G, p.Thr2736Ala (NM_001127510.3, NM_001354895.2); c.8152A>G, p.Thr2718Ala (NM_001127511.3); c.8260A>G, p.Thr2754Ala (NM_001354896.2); c.8236A>G, p.Thr2746Ala (NM_001354897.2); c.8131A>G, p.Thr2711Ala (NM_001354898.2); c.8122A>G, p.Thr2708Ala (NM_001354899.2); c.8083A>G, p.Thr2695Ala (NM_001354900.2); c.8029A>G, p.Thr2677Ala (NM_001354901.2); and 5 more; short protein forms T2576A, T2635A, T2708A, T2711A, T2736A, T2610A, T2645A, T2746A.
Identifiers: ClinVar variation 922287 (VCV000922287.22), dbSNP rs1766677689, ClinGen allele CA16039145.

ClinVar aggregate classification (germline): Uncertain significance. Review status: criteria provided, multiple submitters, no conflicts (2 of 4 stars). 9 submissions from 9 submitters: Uncertain significance (9). Last evaluated 2026-02-20.

Conditions:
Hereditary cancer-predisposing syndrome. Also called: Neoplastic Syndromes, Hereditary; Tumor predisposition; Hereditary Cancer Syndrome; Hereditary neoplastic syndrome. Identifiers: Orphanet 140162, MedGen C0027672, MeSH D009386, MONDO:0015356.
Classic or attenuated familial adenomatous polyposis. Identifiers: MedGen CN372698, MONDO:0021057.
APC-related disorder. Also called: APC-related condition.
Familial adenomatous polyposis 1 (FAP1). Also called: FAMILIAL ADENOMATOUS POLYPOSIS 1, ATTENUATED; POLYPOSIS, ADENOMATOUS INTESTINAL. Identifiers: MedGen C2713442, MONDO:0021056, OMIM 175100. Disease mechanism: loss of function.

Allele frequency attached by ClinVar (database versions not stated): TOPMed 0.00002.
gnomAD v4.1: 1 of 1,614,102 alleles (0.000062%); no homozygotes.

Submissions (9):

St. Jude Molecular Pathology, St. Jude Children's Research Hospital
Classification: Uncertain significance for Familial adenomatous polyposis 1. Last evaluated: 2026-02-20. Review status: criteria provided, single submitter. Criteria: St. Jude Assertion Criteria 2020. Collection method: clinical testing. Allele origin: germline.
Comment: The APC c.8206A>G p.(Thr2736Ala) missense change is abs ent in gnomAD v2.1.1. The in silico tool REVEL predicts a benign effect on protein function, but to our knowledge this prediction has not been confirmed by functional studies. To our knowledge, this variant has not be en reported in the literature in individuals with APC-related disease. In summary, the evidence currently available is insufficient to determine the clinical significance of this variant. It has therefore been classified as of uncertain significance.

Labcorp Genetics (formerly Invitae), Labcorp
Classification: Uncertain significance for Familial adenomatous polyposis 1. Last evaluated: 2025-08-26. Review status: criteria provided, single submitter. Criteria: Invitae Variant Classification Sherloc (09022015). Collection method: clinical testing. Allele origin: germline.
Comment: This sequence change replaces threonine, which is neutral and polar, with alanine, which is neutral and non-polar, at codon 2736 of the APC protein (p.Thr2736Ala). This variant is not present in population databases (gnomAD no frequency). This variant has not been reported in the literature in individuals affected with APC-related conditions. ClinVar contains an entry for this variant (Variation ID: 922287). Invitae Evidence Modeling of protein sequence and biophysical properties (such as structural, functional, and spatial information, amino acid conservation, physicochemical variation, residue mobility, and thermodynamic stability) indicates that this missense variant is not expected to disrupt APC protein function with a negative predictive value of 95%. In summary, the available evidence is currently insufficient to determine the role of this variant in disease. Therefore, it has been classified as a Variant of Uncertain Significance.

Ambry Genetics
Classification: Uncertain significance for Hereditary cancer-predisposing syndrome. Last evaluated: 2025-03-06. Review status: criteria provided, single submitter. Criteria: Ambry Variant Classification Scheme 2023. Collection method: clinical testing. Allele origin: germline.
Comment: The p.T2736A variant (also known as c.8206A>G), located in coding exon 15 of the APC gene, results from an A to G substitution at nucleotide position 8206. The threonine at codon 2736 is replaced by alanine, an amino acid with similar properties. Missense alterations in APC are not a common cause of disease (Spier I et al. Genet Med. 2024 Feb;26(2):100992). This amino acid position is well conserved in available vertebrate species. In addition, in silico predictors for this gene do not accurately predict pathogenicity. Based on the available evidence, the clinical significance of this variant remains unclear.

GeneDx
Classification: Uncertain significance. Last evaluated: 2024-08-07. Review status: criteria provided, single submitter. Criteria: GeneDx Variant Classification Process June 2021. Collection method: clinical testing. Allele origin: germline. Affected: yes.
Comment: Not observed at significant frequency in large population cohorts (gnomAD); In silico analysis indicates that this missense variant does not alter protein structure/function; Has not been previously published as pathogenic or benign to our knowledge; This variant is associated with the following publications: (PMID: 18199528)

All of Us Research Program, National Institutes of Health
Classification: Uncertain significance for Classic or attenuated familial adenomatous polyposis. Last evaluated: 2024-08-06. Review status: criteria provided, single submitter. Criteria: ACMG Guidelines, 2015. Collection method: clinical testing. Allele origin: germline. Inheritance: Autosomal dominant inheritance. Observed: 1 variant allele, 1 heterozygote.
Comment: This study involves interpretation of variants in research participants for the purpose of population health screening. Participant phenotype was not available at the time of variant classification. Additional details can be found in publication PMID: 35346344, PMCID: PMC8962531

Baylor Genetics
Classification: Uncertain significance for Familial adenomatous polyposis 1. Last evaluated: 2024-01-27. Review status: criteria provided, single submitter. Criteria: ACMG Guidelines, 2015. Collection method: clinical testing. Allele origin: unknown.

Color Diagnostics, LLC DBA Color Health
Classification: Uncertain significance for Hereditary cancer-predisposing syndrome. Last evaluated: 2023-12-04. Review status: criteria provided, single submitter. Criteria: ACMG Guidelines, 2015. Collection method: clinical testing. Allele origin: germline.
Comment: This missense variant replaces threonine with alanine at codon 2736 of the APC protein. Computational prediction suggests that this variant may not impact protein structure and function (internally defined REVEL score threshold <= 0.5, PMID: 27666373). To our knowledge, functional studies have not been reported for this variant. This variant has not been reported in individuals affected with APC-related disorders in the literature. This variant has not been identified in the general population by the Genome Aggregation Database (gnomAD). The available evidence is insufficient to determine the role of this variant in disease conclusively. Therefore, this variant is classified as a Variant of Uncertain Significance.

PreventionGenetics, part of Exact Sciences
Classification: Uncertain significance for APC-related condition. Last evaluated: 2022-09-26. Review status: criteria provided, single submitter. Criteria: ACMG Guidelines, 2015. Collection method: clinical testing. Allele origin: germline.
Comment: The APC c.8206A>G variant is predicted to result in the amino acid substitution p.Thr2736Ala. To our knowledge, this variant has not been reported in the literature or in a large population database, indicating this variant is rare. This variant is interpreted as uncertain significance in ClinVar. At this time, the clinical significance of this variant is uncertain due to the absence of conclusive functional and genetic evidence.

Mendelics
Classification: Uncertain significance. Last evaluated: 2022-05-04. Review status: criteria provided, single submitter. Criteria: Mendelics Assertion Criteria 2019. Collection method: clinical testing. Allele origin: germline.